The following is an entry in ClinVar:

NM_000038.6(APC):c.2638A>G (p.Ile880Val)

Gene: APC (APC regulator of Wnt signaling pathway; plus strand). Cytogenetic location: 5q22.2.
Variant type: single nucleotide variant.
Coding change: c.2638A>G on transcript NM_000038.6 (MANE Select); coding-DNA position 2638, A replaced by G.
Protein change: p.Ile880Val; replaces isoleucine 880 with valine.
Molecular consequence: missense variant.
Genome position (GRCh38, 1-based): chr5:112,838,232, A>G. VCF-style: chr5-112838232-A-G. GRCh37 (hg19) VCF-style: chr5-112173929-A-G.
Other names: c.2638A>G, p.Ile880Val (NM_001127510.3, NM_001354895.2); c.2584A>G, p.Ile862Val (NM_001127511.3); c.2692A>G, p.Ile898Val (NM_001354896.2); c.2668A>G, p.Ile890Val (NM_001354897.2); c.2563A>G, p.Ile855Val (NM_001354898.2); c.2554A>G, p.Ile852Val (NM_001354899.2); c.2515A>G, p.Ile839Val (NM_001354900.2); c.2461A>G, p.Ile821Val (NM_001354901.2); and 5 more; short protein forms I890V, I898V, I720V, I597V, I821V, I839V, I852V, I880V.
Identifiers: ClinVar variation 838459 (VCV000838459.14), dbSNP rs1765231973, ClinGen allele CA16027100.
Genomic context (GRCh38, chr5:112,838,232, plus strand): 5'-CTAGGCAACTACCATCCAGCAACAGAAAATCCAGGAACTTCTTCAAAGCGAGGTTTGCAG[A>G]TCTCCACCACTGCAGCCCAGATTGCCAAAGTCATGGAAGAAGTGTCAGCCATTCATACCT-3'
Protein context (NP_000029.2, residues 870-890): PGTSSKRGLQ[Ile880Val]STTAAQIAKV

ClinVar aggregate classification (germline): Uncertain significance. Review status: criteria provided, multiple submitters, no conflicts (2 of 4 stars). 3 submissions from 3 submitters: Uncertain significance (3). Last evaluated 2025-12-08.

Conditions:
Familial adenomatous polyposis 1 (FAP1). Also called: FAMILIAL ADENOMATOUS POLYPOSIS 1, ATTENUATED; POLYPOSIS, ADENOMATOUS INTESTINAL. Identifiers: MedGen C2713442, MONDO:0021056, OMIM 175100. Disease mechanism: loss of function.
Hereditary cancer-predisposing syndrome. Also called: Neoplastic Syndromes, Hereditary; Tumor predisposition; Hereditary neoplastic syndrome; Hereditary Cancer Syndrome. Identifiers: Orphanet 140162, MedGen C0027672, MeSH D009386, MONDO:0015356.

Submissions (3):

Labcorp Genetics (formerly Invitae), Labcorp
Classification: Uncertain significance for Familial adenomatous polyposis 1. Last evaluated: 2025-12-08. Review status: criteria provided, single submitter. Criteria: Invitae Variant Classification Sherloc (09022015). Collection method: clinical testing. Allele origin: germline.
Comment: This sequence change replaces isoleucine, which is neutral and non-polar, with valine, which is neutral and non-polar, at codon 880 of the APC protein (p.Ile880Val). This variant is not present in population databases (gnomAD no frequency). This variant has not been reported in the literature in individuals affected with APC-related conditions. ClinVar contains an entry for this variant (Variation ID: 838459). Invitae Evidence Modeling of protein sequence and biophysical properties (such as structural, functional, and spatial information, amino acid conservation, physicochemical variation, residue mobility, and thermodynamic stability) indicates that this missense variant is not expected to disrupt APC protein function with a negative predictive value of 95%. In summary, the available evidence is currently insufficient to determine the role of this variant in disease. Therefore, it has been classified as a Variant of Uncertain Significance.

Color Diagnostics, LLC DBA Color Health
Classification: Uncertain significance for Hereditary cancer-predisposing syndrome. Last evaluated: 2025-06-09. Review status: criteria provided, single submitter. Criteria: ACMG Guidelines, 2015. Collection method: clinical testing. Allele origin: germline.
Comment: This missense variant replaces isoleucine with valine at codon 880 of the APC protein. Computational prediction suggests that this variant may not impact protein structure and function. To our knowledge, functional studies have not been reported for this variant. This variant has not been reported in individuals affected with APC-related disorders in the literature. This variant has not been identified in the general population by the Genome Aggregation Database (gnomAD). The available evidence is insufficient to determine the role of this variant in disease conclusively. Therefore, this variant is classified as a Variant of Uncertain Significance.

Ambry Genetics
Classification: Uncertain significance for Hereditary cancer-predisposing syndrome. Last evaluated: 2025-03-07. Review status: criteria provided, single submitter. Criteria: Ambry Variant Classification Scheme 2023. Collection method: clinical testing. Allele origin: germline.
Comment: The p.I880V variant (also known as c.2638A>G), located in coding exon 15 of the APC gene, results from an A to G substitution at nucleotide position 2638. The isoleucine at codon 880 is replaced by valine, an amino acid with highly similar properties. This amino acid position is not well conserved in available vertebrate species. In addition, in silico predictors for this gene do not accurately predict pathogenicity. Missense alterations in APC are not a common cause of disease (Spier I et al. Genet Med. 2024 Feb;26(2):100992). Based on the available evidence, the clinical significance of this variant remains unclear.